The following is an entry in ClinVar:

NM_177438.3(DICER1):c.3921del (p.Ser1307fs)

Gene: DICER1 (dicer 1, ribonuclease III; minus strand). Cytogenetic location: 14q32.13.
Variant type: Deletion.
Coding change: c.3921del on transcript NM_177438.3 (MANE Select); coding-DNA position 3921, one base deleted (T; older notation c.3921delT).
Protein change: p.Ser1307fs; shifts the reading frame from serine 1307.
Molecular consequence: frameshift variant. On other transcripts: non-coding transcript variant (6).
Genome position (GRCh38, 1-based): chr14:95,103,475, A deleted on the plus strand (T on the coding strand, the reverse complement: DICER1 is on the minus strand). VCF-style (leftmost placement, unchanged base first): chr14-95103474-CA-C. GRCh37 (hg19) VCF-style: chr14-95569811-CA-C.
Other names: c.3921del, p.Ser1307fs (NM_001195573.1, NM_001271282.3, NM_001291628.2 and 12 more transcripts); c.3921delT, p.Ser1307Argfs (NM_001395681.1); c.3639del, p.Ser1213fs (NM_001395686.1); c.3516del, p.Ser1172fs (NM_001395687.1, NM_001395688.1, NM_001395689.1 and 2 more transcripts); c.3354del, p.Ser1118fs (NM_001395691.1); c.2238del, p.Ser746fs (NM_001395697.1); short protein forms S1118fs, S1307fs, S1172fs, S746fs, S1213fs.
Identifiers: ClinVar variation 2748095 (VCV002748095.4), dbSNP rs2542688974, ClinGen allele CA2697554177.

ClinVar aggregate classification (germline): Pathogenic. Review status: criteria provided, multiple submitters, no conflicts (2 of 4 stars). 2 submissions from 2 submitters: Pathogenic (2). Last evaluated 2025-10-01.

Conditions:
DICER1-related tumor predisposition. Also called: DICER1 syndrome; DICER1-related pleuropulmonary blastoma cancer predisposition syndrome. Identifiers: Orphanet 284343, MedGen C3839822, MONDO:0100216.
Hereditary cancer-predisposing syndrome. Also called: Hereditary Cancer Syndrome; Tumor predisposition; Hereditary neoplastic syndrome; Neoplastic Syndromes, Hereditary. Identifiers: Orphanet 140162, MedGen C0027672, MeSH D009386, MONDO:0015356.

Submissions (2):

Ambry Genetics
Classification: Pathogenic for Hereditary cancer-predisposing syndrome. Last evaluated: 2025-10-01. Review status: criteria provided, single submitter. Criteria: Ambry Variant Classification Scheme 2023. Collection method: clinical testing. Allele origin: germline.
Comment: The c.3921delT pathogenic mutation, located in coding exon 20 of the DICER1 gene, results from a deletion of one nucleotide at nucleotide position 3921, causing a translational frameshift with a predicted alternate stop codon (p.S1307Rfs*17). This variant is considered to be rare based on population cohorts in the Genome Aggregation Database (gnomAD). This alteration is expected to result in loss of function by premature protein truncation or nonsense-mediated mRNA decay. As such, this alteration is interpreted as a disease-causing mutation.

Labcorp Genetics (formerly Invitae), Labcorp
Classification: Pathogenic for DICER1-related tumor predisposition. Last evaluated: 2023-10-14. Review status: criteria provided, single submitter. Criteria: Invitae Variant Classification Sherloc (09022015). Collection method: clinical testing. Allele origin: germline.
Comment: This sequence change creates a premature translational stop signal (p.Ser1307Argfs*17) in the DICER1 gene. It is expected to result in an absent or disrupted protein product. Loss-of-function variants in DICER1 are known to be pathogenic (PMID: 19556464, 21266384). This variant is not present in population databases (gnomAD no frequency). This variant has not been reported in the literature in individuals affected with DICER1-related conditions. For these reasons, this variant has been classified as Pathogenic.

Literature cited by the submitters: PubMed 19556464 (cited by Labcorp Genetics (formerly Invitae), Labcorp); PubMed 21266384 (cited by Labcorp Genetics (formerly Invitae), Labcorp).